The following is an entry in ClinVar:

NM_001003681.3(HMGXB4):c.494G>T (p.Gly165Val)

Gene: HMGXB4 (HMG-box containing 4; plus strand). Cytogenetic location: 22q12.3.
Variant type: single nucleotide variant.
Coding change: c.494G>T on transcript NM_001003681.3 (MANE Select); coding-DNA position 494, G replaced by T.
Protein change: p.Gly165Val; replaces glycine 165 with valine.
Molecular consequence: missense variant. On other transcripts: non-coding transcript variant (1).
Genome position (GRCh38, 1-based): chr22:35,264,882, G>T. VCF-style: chr22-35264882-G-T. GRCh37 (hg19) VCF-style: chr22-35660875-G-T.
Other names: c.167G>T, p.Gly56Val (NM_001362972.2); short protein forms G165V, G56V.
Identifiers: ClinVar variation 1235870 (VCV001235870.4), dbSNP rs1053593, ClinGen allele CA10203588.

ClinVar aggregate classification (germline): Benign. Review status: criteria provided, multiple submitters, no conflicts (2 of 4 stars). 2 submissions from 2 submitters: Benign (2). Last evaluated 2019-04-19.

Allele frequency attached by ClinVar (database versions not stated): 1000 Genomes Project 30x 0.44269; 1000 Genomes Project 0.45248; TOPMed 0.48175; gnomAD 0.48856 and 0.49492; ESP Exome Variant Server 0.48939.
gnomAD v4.1: 988,635 of 1,613,482 alleles (61%); highest among the groups gnomAD compares: Non-Finnish European, 65%; 313,208 homozygotes.

Submissions (2):

GeneDx
Classification: Benign. Last evaluated: 2019-04-19. Review status: criteria provided, single submitter. Criteria: GeneDx Variant Classification Process June 2021. Collection method: clinical testing. Allele origin: germline. Affected: yes.
Comment: This variant is associated with the following publications: (PMID: 30389748)

Breakthrough Genomics
Classification: Benign. Review status: criteria provided, single submitter. Criteria: ACMG Guidelines, 2015. Collection method: not provided. Allele origin: germline. Inheritance: Unknown mechanism. Affected: yes.